The following is an entry in ClinVar:

NM_024577.4(SH3TC2):c.*3077C>T

Gene: SH3TC2 (SH3 domain and tetratricopeptide repeats 2; minus strand). Cytogenetic location: 5q32.
Variant type: single nucleotide variant.
Coding change: c.*3077C>T on transcript NM_024577.4 (MANE Select); 3077 bases downstream of the stop codon, C replaced by T.
Molecular consequence: 3 prime UTR variant.
Genome position (GRCh38, 1-based): chr5:149,001,634, G>A on the plus strand (C>T on the coding strand, the complement: SH3TC2 is on the minus strand). VCF-style: chr5-149001634-G-A. GRCh37 (hg19) VCF-style: chr5-148381197-G-A.
Identifiers: ClinVar variation 351843 (VCV000351843.8), dbSNP rs1045942, ClinGen allele CA10623488.

ClinVar aggregate classification (germline): Benign. Review status: criteria provided, multiple submitters, no conflicts (2 of 4 stars). 3 submissions from 2 submitters: Benign (3). Last evaluated 2021-05-14.

Conditions:
Susceptibility to mononeuropathy of the median nerve, mild. Also called: CARPAL TUNNEL SYNDROME, SUSCEPTIBILITY TO. Identifiers: MedGen C3150596, MONDO:0013237, OMIM 613353.
Charcot-Marie-Tooth disease type 4C (CMT4C). Also called: CHARCOT-MARIE-TOOTH DISEASE, DEMYELINATING, AUTOSOMAL RECESSIVE, TYPE 4C; CMT 4C; Charcot-Marie-Tooth Neuropathy Type 4C (CMT4C); CHARCOT-MARIE-TOOTH DISEASE, DEMYELINATING, TYPE 4C; SH3TC2-Related Hereditary Motor and Sensory Neuropathy. Identifiers: Orphanet 99949, MedGen C1866636, MONDO:0011113, OMIM 601596.

Allele frequency attached by ClinVar (database versions not stated): gnomAD 0.52772; 1000 Genomes Project 0.52975; TOPMed 0.53119; 1000 Genomes Project 30x 0.53638.

Submissions (3):

GeneDx
Classification: Benign. Last evaluated: 2021-05-14. Review status: criteria provided, single submitter. Criteria: GeneDx Variant Classification Process June 2021. Collection method: clinical testing. Allele origin: germline. Affected: yes.

Illumina Laboratory Services, Illumina
Classification: Benign for Susceptibility to mononeuropathy of the median nerve, mild. Last evaluated: 2018-01-13. Review status: criteria provided, single submitter. Criteria: ICSL Variant Classification Criteria 13 December 2019. Collection method: clinical testing. Allele origin: germline.
Comment: This variant was observed in the ICSL laboratory as part of a predisposition screen in an ostensibly healthy population. It had not been previously curated by ICSL or reported in the Human Gene Mutation Database (HGMD: prior to June 1st, 2018), and was therefore a candidate for classification through an automated scoring system. Utilizing variant allele frequency, disease prevalence and penetrance estimates, and inheritance mode, an automated score was calculated to assess if this variant is too frequent to cause the disease. Based on the score and internal cut-off values, a variant classified as benign is not then subjected to further curation. The score for this variant resulted in a classification of benign for this disease.

Illumina Laboratory Services, Illumina
Classification: Benign for Charcot-Marie-Tooth disease type 4C. Last evaluated: 2018-01-13. Review status: criteria provided, single submitter. Criteria: ICSL Variant Classification Criteria 13 December 2019. Collection method: clinical testing. Allele origin: germline.
Comment: the same text as in the submission from Illumina Laboratory Services, Illumina above.